The following is an entry in ClinVar:

ClinVar aggregate classification (germline): Uncertain significance. Review status: criteria provided, single submitter (1 of 4 stars). 2 submissions from 2 submitters: Uncertain significance (1). 1 of the submissions does not count toward it. Last evaluated 2025-04-11.

Allele frequency attached by ClinVar (database versions not stated): gnomAD exomes 0.00001 and 0.00002; ExAC 0.00002; gnomAD 0.00003; TOPMed 0.00006.
gnomAD v4.1: 13 of 1,613,994 alleles (0.00081%); highest among the groups gnomAD compares: African/African-American, 0.017%; no homozygotes.

Submissions (2):

Labcorp Genetics (formerly Invitae), Labcorp
Classification: Uncertain significance. Last evaluated: 2025-04-11. Review status: criteria provided, single submitter. Criteria: Invitae Variant Classification Sherloc (09022015). Collection method: clinical testing. Allele origin: germline.
Comment: This sequence change replaces proline, which is neutral and non-polar, with threonine, which is neutral and polar, at codon 2361 of the LRP2 protein (p.Pro2361Thr). This variant is present in population databases (rs776174341, gnomAD 0.03%). This variant has not been reported in the literature in individuals affected with LRP2-related conditions. ClinVar contains an entry for this variant (Variation ID: 591105). Invitae Evidence Modeling of protein sequence and biophysical properties (such as structural, functional, and spatial information, amino acid conservation, physicochemical variation, residue mobility, and thermodynamic stability) indicates that this missense variant is expected to disrupt LRP2 protein function with a positive predictive value of 95%. In summary, the available evidence is currently insufficient to determine the role of this variant in disease. Therefore, it has been classified as a Variant of Uncertain Significance.

Gharavi Laboratory, Columbia University
Classification: Uncertain significance. Last evaluated: 2018-09-16. Review status: no assertion criteria provided. Criteria: ACMG Guidelines, 2015. Collection method: research. Allele origin: germline. Affected: yes. Not counted in ClinVar's aggregate classification.

NM_004525.3(LRP2):c.7081C>A (p.Pro2361Thr)

Gene: LRP2 (LDL receptor related protein 2; minus strand). Cytogenetic location: 2q31.1.
Variant type: single nucleotide variant.
Coding change: c.7081C>A on transcript NM_004525.3 (MANE Select); coding-DNA position 7081, C replaced by A.
Protein change: p.Pro2361Thr; replaces proline 2361 with threonine.
Molecular consequence: missense variant.
Genome position (GRCh38, 1-based): chr2:169,206,639, G>T on the plus strand (C>A on the coding strand, the complement: LRP2 is on the minus strand). VCF-style: chr2-169206639-G-T. GRCh37 (hg19) VCF-style: chr2-170063149-G-T.
Other names: short protein forms P2361T.
Identifiers: ClinVar variation 591105 (VCV000591105.7), dbSNP rs776174341, ClinGen allele CA1954167.